The following is an entry in ClinVar:

NM_000238.4(KCNH2):c.2765G>A (p.Arg922Gln)

Gene: KCNH2 (potassium voltage-gated channel subfamily H member 2; minus strand). Cytogenetic location: 7q36.1.
Variant type: single nucleotide variant.
Coding change: c.2765G>A on transcript NM_000238.4 (MANE Select); coding-DNA position 2765, G replaced by A.
Protein change: p.Arg922Gln; replaces arginine 922 with glutamine.
Molecular consequence: missense variant.
Genome position (GRCh38, 1-based): chr7:150,947,806, C>T on the plus strand (G>A on the coding strand, the complement: KCNH2 is on the minus strand). VCF-style: chr7-150947806-C-T. GRCh37 (hg19) VCF-style: chr7-150644894-C-T.
Other names: c.2765G>A (LRG_288t1); c.1745G>A, p.Arg582Gln (NM_172057.3); short protein forms R582Q, R922Q.
Identifiers: ClinVar variation 67436 (VCV000067436.29), dbSNP rs199473439, ClinGen allele CA007347.

ClinVar aggregate classification (germline): Conflicting classifications of pathogenicity. Review status: criteria provided, conflicting classifications (1 of 4 stars). 6 submissions from 6 submitters: Uncertain significance (4); Likely benign (1). 1 of the submissions does not count toward it. Last evaluated 2025-12-31.

Conditions:
Cardiovascular phenotype. Identifiers: MedGen CN230736.
Cardiac arrhythmia. Also called: Arrhythmia; Cardiac rhythm disease. Identifiers: MedGen C0003811, MONDO:0007263, HP:0011675.
Familial long QT syndrome (RWS). Also called: Congenital long QT syndrome; Romano-Ward syndrome; VENTRICULAR FIBRILLATION WITH PROLONGED QT INTERVAL. Identifiers: Orphanet 768, MedGen C1141890, MONDO:0019171.
Long QT syndrome (LQTS). Identifiers: MedGen C0023976, MeSH D008133, MONDO:0002442. Disease mechanism: loss of function. Inheritance: Various modes of inheritance.
Short QT syndrome type 1. Identifiers: Orphanet 51083, MedGen C1865020, MONDO:0012312, OMIM 609620.
Long QT syndrome 2 (LQT2). Identifiers: Orphanet 101016, Orphanet 768, MedGen C3150943, MONDO:0013367, OMIM 613688.

Allele frequency attached by ClinVar (database versions not stated): gnomAD 0.00001; gnomAD exomes 0.00004; TOPMed 0.00002.
gnomAD v4.1: 55 of 1,530,688 alleles (0.0036%); highest among the groups gnomAD compares: Non-Finnish European, 0.0044%; no homozygotes.

Submissions (6):

Labcorp Genetics (formerly Invitae), Labcorp
Classification: Uncertain significance for Long QT syndrome. Last evaluated: 2025-12-31. Review status: criteria provided, single submitter. Criteria: Invitae Variant Classification Sherloc (09022015). Collection method: clinical testing. Allele origin: germline.
Comment: This sequence change replaces arginine, which is basic and polar, with glutamine, which is neutral and polar, at codon 922 of the KCNH2 protein (p.Arg922Gln). The frequency data for this variant in the population databases is considered unreliable, as metrics indicate poor data quality at this position in the gnomAD database. This missense change has been observed in individual(s) with clinical features of long QT syndrome (PMID: 19716085). ClinVar contains an entry for this variant (Variation ID: 67436). An algorithm developed to predict the effect of missense changes on protein structure and function outputs the following: PolyPhen-2: "Benign". The glutamine amino acid residue is found in multiple mammalian species, which suggests that this missense change does not adversely affect protein function. In summary, the available evidence is currently insufficient to determine the role of this variant in disease. Therefore, it has been classified as a Variant of Uncertain Significance.

All of Us Research Program, National Institutes of Health
Classification: Uncertain significance for Long QT syndrome. Last evaluated: 2024-06-09. Review status: criteria provided, single submitter. Criteria: ACMG Guidelines, 2015. Collection method: clinical testing. Allele origin: germline. Inheritance: Autosomal dominant inheritance. Observed: 4 variant alleles, 4 heterozygotes.
Comment: This missense variant replaces arginine with glutamine at codon 922 of the KCNH2 protein. Computational prediction is inconclusive regarding the impact of this variant on protein structure and function (internally defined REVEL score threshold 0.5 < inconclusive < 0.7, PMID: 27666373). To our knowledge, functional studies have not been reported for this variant. This variant has been reported in an individual referred for long QT syndrome genetic testing (PMID: 19716085). This variant has been identified in 5/127238 chromosomes in the general population by the Genome Aggregation Database (gnomAD). The available evidence is insufficient to determine the role of this variant in disease conclusively. Therefore, this variant is classified as a Variant of Uncertain Significance.

This study involves interpretation of variants in research participants for the purpose of population health screening. Participant phenotype was not available at the time of variant classification. Additional details can be found in publication PMID: 35346344, PMCID: PMC8962531

Color Diagnostics, LLC DBA Color Health
Classification: Uncertain significance for Cardiac arrhythmia. Last evaluated: 2024-05-28. Review status: criteria provided, single submitter. Criteria: ACMG Guidelines, 2015. Collection method: clinical testing. Allele origin: germline.
Comment: This missense variant replaces arginine with glutamine at codon 922 of the KCNH2 protein. Computational prediction is inconclusive regarding the impact of this variant on protein structure and function (internally defined REVEL score threshold 0.5 < inconclusive < 0.7, PMID: 27666373). To our knowledge, functional studies have not been reported for this variant. This variant has been reported in an individual referred for long QT syndrome genetic testing (PMID: 19716085). This variant has been identified in 5/127238 chromosomes in the general population by the Genome Aggregation Database (gnomAD). The available evidence is insufficient to determine the role of this variant in disease conclusively. Therefore, this variant is classified as a Variant of Uncertain Significance.

Ambry Genetics
Classification: Likely benign for Cardiovascular phenotype. Last evaluated: 2022-05-02. Review status: criteria provided, single submitter. Criteria: Ambry Variant Classification Scheme 2023. Collection method: clinical testing. Allele origin: germline.

Fulgent Genetics
Classification: Uncertain significance for Short QT syndrome type 1; Long QT syndrome 2. Last evaluated: 2021-08-13. Review status: criteria provided, single submitter. Criteria: ACMG Guidelines, 2015. Collection method: clinical testing. Allele origin: unknown.

Cardiovascular Biomedical Research Unit, Royal Brompton & Harefield NHS Foundation Trust
No classification provided. Condition: Familial long QT syndrome. Review status: no classification provided. Collection method: literature only. Allele origin: germline. Not counted in ClinVar's aggregate classification.
Comment: This variant has been reported as associated with Long QT syndrome in the following publications (PMID:19716085). This is a literature report, and does not necessarily reflect the clinical interpretation of the Imperial College / Royal Brompton Cardiovascular Genetics laboratory.

Literature cited by the submitters: PubMed 19716085 (cited by 5 submitters); PubMed 10973849 (cited by Ambry Genetics); PubMed 15051636 (cited by Ambry Genetics); PubMed 16432067 (cited by Ambry Genetics); PubMed 23303164 (cited by Ambry Genetics); PubMed 22581653 (cited by Cardiovascular Biomedical Research Unit, Royal Brompton & Harefield NHS Foundation Trust).